The following is an entry in ClinVar:

ClinVar aggregate classification (germline): Uncertain significance (1 of 4 stars; one submission).

Conditions:
Inborn genetic diseases. Identifiers: MedGen C0950123, MeSH D030342.

Submission:

Ambry Genetics
Classification: Uncertain significance for Inborn genetic diseases. Last evaluated: 2024-11-22. Review status: criteria provided, single submitter. Criteria: Ambry Variant Classification Scheme 2023. Collection method: clinical testing. Allele origin: germline.
Comment: The p.Y1087H variant (also known as c.3259T>C), located in coding exon 13 of the ASXL1 gene, results from a T to C substitution at nucleotide position 3259. The tyrosine at codon 1087 is replaced by histidine, an amino acid with similar properties. This amino acid position is conserved. In addition, this alteration is predicted to be tolerated by in silico analysis. Based on the available evidence, the clinical significance of this variant remains unclear.

NM_015338.6(ASXL1):c.3259T>C (p.Tyr1087His)

Gene: ASXL1 (ASXL transcriptional regulator 1; plus strand). Cytogenetic location: 20q11.21.
Variant type: single nucleotide variant.
Coding change: c.3259T>C on transcript NM_015338.6 (MANE Select); coding-DNA position 3259, T replaced by C.
Protein change: p.Tyr1087His; replaces tyrosine 1087 with histidine.
Molecular consequence: missense variant.
Genome position (GRCh38, 1-based): chr20:32,435,971, T>C. VCF-style: chr20-32435971-T-C. GRCh37 (hg19) VCF-style: chr20-31023774-T-C.
Other names: c.3076T>C, p.Tyr1026His (NM_001363734.1); short protein forms Y1087H, Y1026H.
Identifiers: ClinVar variation 3438452 (VCV003438452.1).